The following is an entry in ClinVar:

ClinVar aggregate classification (germline): Likely pathogenic (3 of 4 stars; one submission).

Conditions:
Mucopolysaccharidosis type 1. Also called: IDUA deficiency; MPS I; Mucopolysaccharidosis Type I. Identifiers: Orphanet 579, MedGen C0023786, MONDO:0001586.

Submission:

ClinGen Lysosomal Storage Disorder Variant Curation Expert Panel
Classification: Likely pathogenic for Mucopolysaccharidosis type 1. Last evaluated: 2025-09-15. Review status: reviewed by expert panel. Criteria: ClinGen LSD ACMG Specifications IDUA V1.0.0. Collection method: curation. Allele origin: germline. Inheritance: Autosomal recessive inheritance.
Comment: The NM_000203.5:c.212A>C variant in IDUA is a missense variant that results in the substitution of glutamine by proline at amino acid 71 (p.Gln71Pro). In this patient a specific combination of clinical and biochemical evidence diagnostic of MPSI was present (PP4_Moderate). The computational predictor REVEL gives a score of 0.806 which is above the threshold of 0.773, evidence that correlates with impact to IDUA function at the moderate level based on the specifications of the ClinGen Lysosomal Diseases VCEP (PMID: 36413997) (PP3_Moderate). This variant is absent from gnomAD v4.1.0. (PM2_Supporting). This variant therefore meets the criteria to be classified as likely pathogenic for MPS I based on the IDUA-specific ACMG/AMP criteria applied, as specified by the ClinGen Lysosomal Diseases Variant Curation Expert Panel (Specifications Version 1.0.0): PM2_Supporting, PM3_Supporting, PP3_Moderate, PP4_Moderate. (Classification approved by the ClinGen Lysosomal Diseases Variant Curation Expert Panel, Sept. 15, 2025).

NM_000203.5(IDUA):c.212A>C (p.Gln71Pro)

Genes: IDUA (alpha-L-iduronidase; plus strand), SLC26A1 (solute carrier family 26 member 1; minus strand). Cytogenetic location: 4p16.3.
Variant type: single nucleotide variant.
Coding change: c.212A>C on transcript NM_000203.5 (MANE Select); coding-DNA position 212, A replaced by C.
Protein change: p.Gln71Pro; replaces glutamine 71 with proline.
Molecular consequence: missense variant. On other transcripts: 3 prime UTR variant (2), non-coding transcript variant (1), intron variant (1).
Genome position (GRCh38, 1-based): chr4:987,862, A>C. VCF-style: chr4-987862-A-C. GRCh37 (hg19) VCF-style: chr4-981650-A-C.
Other names: NM_134425.4:c.576+3266T>G; c.*971T>G (NM_022042.4, NM_213613.4); c.576+3266T>G (NM_134425.4); short protein forms Q71P.
Identifiers: ClinVar variation 5018472 (VCV005018472.1).